The following is an entry in ClinVar:

ClinVar aggregate classification (germline): Uncertain significance. Review status: criteria provided, multiple submitters, no conflicts (2 of 4 stars). 3 submissions from 3 submitters: Uncertain significance (3). Last evaluated 2025-08-30.

Conditions:
Inborn genetic diseases. Identifiers: MedGen C0950123, MeSH D030342.
Xanthinuria type II. Also called: Xanthine dehydrogenase and aldehyde oxidase combined deficiency of; XDH and AOX dual deficiency. Identifiers: Orphanet 3467, Orphanet 93602, MedGen C1863688, MONDO:0011346, OMIM 603592.

Allele frequency attached by ClinVar (database versions not stated): ExAC 0.00003; TOPMed 0.00006; gnomAD 0.00007.
gnomAD v4.1: 254 of 1,614,000 alleles (0.016%); highest among the groups gnomAD compares: Non-Finnish European, 0.02%; no homozygotes.

Submissions (3):

Ambry Genetics
Classification: Uncertain significance for Inborn genetic diseases. Last evaluated: 2025-08-30. Review status: criteria provided, single submitter. Criteria: Ambry Variant Classification Scheme 2023. Collection method: clinical testing. Allele origin: germline.

Mayo Clinic Laboratories, Mayo Clinic
Classification: Uncertain significance. Last evaluated: 2024-07-08. Review status: criteria provided, single submitter. Criteria: ACMG Guidelines, 2015. Collection method: clinical testing. Allele origin: germline. Observed: 1 variant allele.
Comment: PM2

Labcorp Genetics (formerly Invitae), Labcorp
Classification: Uncertain significance for Xanthinuria type II. Last evaluated: 2022-07-02. Review status: criteria provided, single submitter. Criteria: Invitae Variant Classification Sherloc (09022015). Collection method: clinical testing. Allele origin: germline.
Comment: This variant is present in population databases (rs747715632, gnomAD 0.02%). This sequence change replaces isoleucine, which is neutral and non-polar, with methionine, which is neutral and non-polar, at codon 139 of the XDH protein (p.Ile139Met). Algorithms developed to predict the effect of missense changes on protein structure and function are either unavailable or do not agree on the potential impact of this missense change (SIFT: "Deleterious"; PolyPhen-2: "Benign"; Align-GVGD: "Class C0"). In summary, the available evidence is currently insufficient to determine the role of this variant in disease. Therefore, it has been classified as a Variant of Uncertain Significance. ClinVar contains an entry for this variant (Variation ID: 1054437). This variant has not been reported in the literature in individuals affected with XDH-related conditions.

NM_000379.4(XDH):c.417T>G (p.Ile139Met)

Gene: XDH (xanthine dehydrogenase; minus strand). Cytogenetic location: 2p23.1.
Variant type: single nucleotide variant.
Coding change: c.417T>G on transcript NM_000379.4 (MANE Select); coding-DNA position 417, T replaced by G.
Protein change: p.Ile139Met; replaces isoleucine 139 with methionine.
Molecular consequence: missense variant.
Genome position (GRCh38, 1-based): chr2:31,398,589, A>C on the plus strand (T>G on the coding strand, the complement: XDH is on the minus strand). VCF-style: chr2-31398589-A-C. GRCh37 (hg19) VCF-style: chr2-31621455-A-C.
Other names: p.Ile139Met; c.417T>G (NM_000379.3); short protein forms I139M.
Identifiers: ClinVar variation 1054437 (VCV001054437.12), dbSNP rs747715632, ClinGen allele CA1599651.